The following is an entry in ClinVar:

NM_004380.3(CREBBP):c.4063G>A (p.Gly1355Arg)

Gene: CREBBP (CREB binding lysine acetyltransferase; minus strand). Cytogenetic location: 16p13.3.
Variant type: single nucleotide variant.
Coding change: c.4063G>A on transcript NM_004380.3 (MANE Select); coding-DNA position 4063, G replaced by A.
Protein change: p.Gly1355Arg; replaces glycine 1355 with arginine.
Molecular consequence: missense variant.
Genome position (GRCh38, 1-based): chr16:3,740,469, C>T on the plus strand (G>A on the coding strand, the complement: CREBBP is on the minus strand). VCF-style: chr16-3740469-C-T. GRCh37 (hg19) VCF-style: chr16-3790470-C-T.
Other names: c.3949G>A, p.Gly1317Arg (NM_001079846.1); c.4063G>A (NM_004380.2); short protein forms G1355R, G1317R.
Identifiers: ClinVar variation 2063800 (VCV002063800.5), dbSNP rs774076896, ClinGen allele CA7869626.

ClinVar aggregate classification (germline): Conflicting classifications of pathogenicity. Review status: criteria provided, conflicting classifications (1 of 4 stars). 2 submissions from 2 submitters: Uncertain significance (1); Likely benign (1). Last evaluated 2026-05-14.

Conditions:
Rubinstein-Taybi syndrome (RSTS). Identifiers: Orphanet 783, MedGen C0035934, MONDO:0019188.
CREBBP-related disorder. Also called: CREBBP-related disorders; CREBBP-related condition.

Allele frequency attached by ClinVar (database versions not stated): ExAC 0.00001; gnomAD 0.00001; gnomAD exomes 0.00001; TOPMed 0.00002.
gnomAD v4.1: 11 of 1,614,068 alleles (0.00068%); highest among the groups gnomAD compares: Admixed American, 0.01%; no homozygotes.

Submissions (2):

PreventionGenetics, part of Exact Sciences
Classification: Uncertain significance for CREBBP-related condition. Last evaluated: 2026-05-14. Review status: criteria provided, single submitter. Criteria: ACMG Guidelines, 2015. Collection method: clinical testing. Allele origin: germline.
Comment: The CREBBP c.4063G>A variant is predicted to result in the amino acid substitution p.Gly1355Arg. To our knowledge, this variant has not been reported in the literature. This variant is reported in 0.0087% of alleles in individuals of Latino descent in gnomAD. Although we suspect that this variant may be benign, the clinical significance of this variant is classified as uncertain at this time due to insufficient functional and genetic evidence.

Labcorp Genetics (formerly Invitae), Labcorp
Classification: Likely benign for Rubinstein-Taybi syndrome. Last evaluated: 2023-08-04. Review status: criteria provided, single submitter. Criteria: Invitae Variant Classification Sherloc (09022015). Collection method: clinical testing. Allele origin: germline.